The following is an entry in ClinVar:

NM_020754.4(ARHGAP31):c.2152T>G (p.Trp718Gly)

Gene: ARHGAP31 (Rho GTPase activating protein 31; plus strand). Cytogenetic location: 3q13.33.
Variant type: single nucleotide variant.
Coding change: c.2152T>G on transcript NM_020754.4 (MANE Select); coding-DNA position 2152, T replaced by G.
Protein change: p.Trp718Gly; replaces tryptophan 718 with glycine.
Molecular consequence: missense variant.
Genome position (GRCh38, 1-based): chr3:119,414,081, T>G. VCF-style: chr3-119414081-T-G. GRCh37 (hg19) VCF-style: chr3-119132928-T-G.
Other names: short protein forms W718G.
Identifiers: ClinVar variation 3618592 (VCV003618592.2).

ClinVar aggregate classification (germline): Uncertain significance (1 of 4 stars; one submission).

Submission:

Labcorp Genetics (formerly Invitae), Labcorp
Classification: Uncertain significance. Last evaluated: 2024-08-01. Review status: criteria provided, single submitter. Criteria: Invitae Variant Classification Sherloc (09022015). Collection method: clinical testing. Allele origin: germline.
Comment: This sequence change replaces tryptophan, which is neutral and slightly polar, with glycine, which is neutral and non-polar, at codon 718 of the ARHGAP31 protein (p.Trp718Gly). This variant is present in population databases (rs756756749, gnomAD 0.002%). This variant has not been reported in the literature in individuals affected with ARHGAP31-related conditions. An algorithm developed to predict the effect of missense changes on protein structure and function outputs the following: PolyPhen-2: "Benign". The glycine amino acid residue is found in multiple mammalian species, which suggests that this missense change does not adversely affect protein function. In summary, the available evidence is currently insufficient to determine the role of this variant in disease. Therefore, it has been classified as a Variant of Uncertain Significance.